The following is an entry in ClinVar:

NM_000719.7(CACNA1C):c.3376G>A (p.Asp1126Asn)

Gene: CACNA1C (calcium voltage-gated channel subunit alpha1 C; plus strand). Cytogenetic location: 12p13.33.
Variant type: single nucleotide variant.
Coding change: c.3376G>A on transcript NM_000719.7 (MANE Select); coding-DNA position 3376, G replaced by A.
Protein change: p.Asp1126Asn; replaces aspartic acid 1126 with asparagine.
Molecular consequence: missense variant.
Genome position (GRCh38, 1-based): chr12:2,608,530, G>A. VCF-style: chr12-2608530-G-A. GRCh37 (hg19) VCF-style: chr12-2717696-G-A.
Other names: p.Asp1126Asn; c.3436G>A, p.Asp1146Asn (NM_001129827.2, NM_001129832.2, NM_199460.4); c.3376G>A, p.Asp1126Asn (NM_001129829.2, NM_001129830.3, NM_001129831.2 and 15 more transcripts); c.3367G>A, p.Asp1123Asn (NM_001129844.2); short protein forms D1123N, D1126N, D1146N.
Identifiers: ClinVar variation 2428187 (VCV002428187.9), dbSNP rs1178827946, ClinGen allele CA383375243.

ClinVar aggregate classification (germline): Uncertain significance. Review status: criteria provided, multiple submitters, no conflicts (2 of 4 stars). 3 submissions from 3 submitters: Uncertain significance (3). Last evaluated 2024-07-22.

Conditions:
Long QT syndrome (LQTS). Identifiers: MedGen C0023976, MeSH D008133, MONDO:0002442. Disease mechanism: loss of function. Inheritance: Various modes of inheritance.

Allele frequency attached by ClinVar (database versions not stated): gnomAD exomes below 0.00001; TOPMed below 0.00001.
gnomAD v4.1: 2 of 1,611,556 alleles (0.00012%); highest among the groups gnomAD compares: Non-Finnish European, 0.00017%; no homozygotes.

Submissions (3):

Labcorp Genetics (formerly Invitae), Labcorp
Classification: Uncertain significance for Long QT syndrome. Last evaluated: 2024-07-22. Review status: criteria provided, single submitter. Criteria: Invitae Variant Classification Sherloc (09022015). Collection method: clinical testing. Allele origin: germline.
Comment: This sequence change replaces aspartic acid, which is acidic and polar, with asparagine, which is neutral and polar, at codon 1126 of the CACNA1C protein (p.Asp1126Asn). The frequency data for this variant in the population databases is considered unreliable, as metrics indicate poor data quality at this position in the gnomAD database. This variant has not been reported in the literature in individuals affected with CACNA1C-related conditions. ClinVar contains an entry for this variant (Variation ID: 2428187). Advanced modeling of protein sequence and biophysical properties (such as structural, functional, and spatial information, amino acid conservation, physicochemical variation, residue mobility, and thermodynamic stability) performed at Invitae indicates that this missense variant is expected to disrupt CACNA1C protein function with a positive predictive value of 95%. In summary, the available evidence is currently insufficient to determine the role of this variant in disease. Therefore, it has been classified as a Variant of Uncertain Significance.

Mayo Clinic Laboratories, Mayo Clinic
Classification: Uncertain significance. Last evaluated: 2024-04-25. Review status: criteria provided, single submitter. Criteria: ACMG Guidelines, 2015. Collection method: clinical testing. Allele origin: germline. Observed: 1 variant allele.
Comment: PP2, PP3, PM2

GeneDx
Classification: Uncertain significance. Last evaluated: 2023-02-28. Review status: criteria provided, single submitter. Criteria: GeneDx Variant Classification Process June 2021. Collection method: clinical testing. Allele origin: germline. Affected: yes.
Comment: Not observed at significant frequency in large population cohorts (gnomAD); In silico analysis supports that this missense variant has a deleterious effect on protein structure/function; Has not been previously published as pathogenic or benign to our knowledge